The following is an entry in ClinVar:

NM_006415.4(SPTLC1):c.1137-6C>T

Gene: SPTLC1 (serine palmitoyltransferase long chain base subunit 1; minus strand). Cytogenetic location: 9q22.31.
Variant type: single nucleotide variant.
Coding change: c.1137-6C>T on transcript NM_006415.4 (MANE Select); 6 bases into the intron before coding-DNA position 1137, C replaced by T.
Molecular consequence: intron variant.
Genome position (GRCh38, 1-based): chr9:92,038,371, G>A on the plus strand (C>T on the coding strand, the complement: SPTLC1 is on the minus strand). VCF-style: chr9-92038371-G-A. GRCh37 (hg19) VCF-style: chr9-94800653-G-A.
Other names: c.1137-6C>T (NM_001281303.2); c.771-6C>T (NM_001368272.1); c.672-6C>T (NM_001368273.1).
Identifiers: ClinVar variation 682117 (VCV000682117.15), dbSNP rs377583863, ClinGen allele CA5121292.

ClinVar aggregate classification (germline): Likely benign. Review status: criteria provided, multiple submitters, no conflicts (2 of 4 stars). 4 submissions from 4 submitters: Likely benign (4). Last evaluated 2026-01-06.

Conditions:
Hereditary sensory and autonomic neuropathy type 1 (HSAN1). Also called: HSAN 1; HSN Type I; Hereditary Sensory Neuropathy Type I. Identifiers: Orphanet 36386, MedGen C0020071, MONDO:0018213.
Inborn genetic diseases. Identifiers: MedGen C0950123, MeSH D030342.
SPTLC1-related disorder. Also called: SPTLC1-related condition.

Allele frequency attached by ClinVar (database versions not stated): gnomAD exomes 0.00002 and 0.00004; ExAC 0.00008; 1000 Genomes Project 0.00020; 1000 Genomes Project 30x 0.00016; gnomAD 0.00022 and 0.00025; ESP Exome Variant Server 0.00031; TOPMed 0.00033.
gnomAD v4.1: 68 of 1,565,492 alleles (0.0043%); highest among the groups gnomAD compares: African/African-American, 0.084%; no homozygotes.

Submissions (4):

PreventionGenetics, part of Exact Sciences
Classification: Likely benign for SPTLC1-related condition. Last evaluated: 2026-01-06. Review status: criteria provided, single submitter. Criteria: ACMG Guidelines, 2015. Collection method: clinical testing. Allele origin: germline.
Comment: This variant is classified as likely benign based on ACMG/AMP sequence variant interpretation guidelines (Richards et al. 2015 PMID: 25741868, with internal and published modifications).

Labcorp Genetics (formerly Invitae), Labcorp
Classification: Likely benign for Hereditary sensory and autonomic neuropathy type 1. Last evaluated: 2024-04-29. Review status: criteria provided, single submitter. Criteria: Invitae Variant Classification Sherloc (09022015). Collection method: clinical testing. Allele origin: germline.

Ambry Genetics
Classification: Likely benign for Inborn genetic diseases. Last evaluated: 2020-08-04. Review status: criteria provided, single submitter. Criteria: Ambry Variant Classification Scheme 2023. Collection method: clinical testing. Allele origin: germline.

GeneDx
Classification: Likely benign. Last evaluated: 2018-04-23. Review status: criteria provided, single submitter. Criteria: GeneDx Variant Classification (06012015). Collection method: clinical testing. Allele origin: germline. Affected: yes.
Comment: This variant is considered likely benign or benign based on one or more of the following criteria: it is a conservative change, it occurs at a poorly conserved position in the protein, it is predicted to be benign by multiple in silico algorithms, and/or has population frequency not consistent with disease.